The following is an entry in ClinVar:

NM_001378687.1(ATP2C1):c.691G>A (p.Val231Ile)

Gene: ATP2C1 (ATPase secretory pathway Ca2+ transporting 1; plus strand). Cytogenetic location: 3q22.1.
Variant type: single nucleotide variant.
Coding change: c.691G>A on transcript NM_001378687.1 (MANE Select); coding-DNA position 691, G replaced by A.
Protein change: p.Val231Ile; replaces valine 231 with isoleucine.
Molecular consequence: missense variant.
Genome position (GRCh38, 1-based): chr3:130,955,015, G>A. VCF-style: chr3-130955015-G-A. GRCh37 (hg19) VCF-style: chr3-130673859-G-A.
Other names: c.643G>A, p.Val215Ile (NM_001199184.3, NM_001378514.1, NM_001199183.2); c.691G>A, p.Val231Ile (NM_001199185.2, NM_001378512.1, NM_001378513.1 and 5 more transcripts); c.793G>A, p.Val265Ile (NM_001378511.1, NM_001199180.2, NM_001199181.3); c.676G>A, p.Val226Ile (NM_001199182.2); short protein forms V226I, V231I, V215I, V265I.
Identifiers: ClinVar variation 783404 (VCV000783404.9), dbSNP rs143199078, ClinGen allele CA2614898.

ClinVar aggregate classification (germline): Benign. Review status: criteria provided, multiple submitters, no conflicts (2 of 4 stars). 3 submissions from 3 submitters: Benign (2). 1 of the submissions does not count toward it. Last evaluated 2025-06-13.

Conditions:
ATP2C1-related disorder. Also called: ATP2C1-related condition.

Allele frequency attached by ClinVar (database versions not stated): ExAC 0.00086; 1000 Genomes Project 30x 0.00297; ESP Exome Variant Server 0.00354; 1000 Genomes Project 0.00319; TOPMed 0.00340.
gnomAD v4.1: 892 of 1,611,270 alleles (0.055%); highest among the groups gnomAD compares: African/African-American, 1.1%; 3 homozygotes.

Submissions (3):

Labcorp Genetics (formerly Invitae), Labcorp
Classification: Benign. Last evaluated: 2025-06-13. Review status: criteria provided, single submitter. Criteria: Invitae Variant Classification Sherloc (09022015). Collection method: clinical testing. Allele origin: germline.

Breakthrough Genomics
Classification: Benign. Review status: criteria provided, single submitter. Criteria: ACMG Guidelines, 2015. Collection method: not provided. Allele origin: germline. Inheritance: Autosomal dominant inheritance. Affected: yes.

PreventionGenetics, part of Exact Sciences
Classification: Benign for ATP2C1-related condition. Last evaluated: 2020-06-11. Review status: no assertion criteria provided. Collection method: clinical testing. Allele origin: germline. Not counted in ClinVar's aggregate classification.
Comment: This variant is classified as benign based on ACMG/AMP sequence variant interpretation guidelines (Richards et al. 2015 PMID: 25741868, with internal and published modifications).